The following is an entry in ClinVar:

NM_005559.4(LAMA1):c.5971A>G (p.Asn1991Asp)

Gene: LAMA1 (laminin subunit alpha 1; minus strand). Cytogenetic location: 18p11.31.
Variant type: single nucleotide variant.
Coding change: c.5971A>G on transcript NM_005559.4 (MANE Select); coding-DNA position 5971, A replaced by G.
Protein change: p.Asn1991Asp; replaces asparagine 1991 with aspartic acid.
Molecular consequence: missense variant.
Genome position (GRCh38, 1-based): chr18:6,980,557, T>C on the plus strand (A>G on the coding strand, the complement: LAMA1 is on the minus strand). VCF-style: chr18-6980557-T-C. GRCh37 (hg19) VCF-style: chr18-6980556-T-C.
Other names: short protein forms N1991D.
Identifiers: ClinVar variation 3612687 (VCV003612687.2).

ClinVar aggregate classification (germline): Uncertain significance (1 of 4 stars; one submission).

gnomAD v4.1: 5 of 1,612,990 alleles (0.00031%); highest among the groups gnomAD compares: East Asian, 0.0022%; no homozygotes.

Submission:

Labcorp Genetics (formerly Invitae), Labcorp
Classification: Uncertain significance. Last evaluated: 2024-06-03. Review status: criteria provided, single submitter. Criteria: Invitae Variant Classification Sherloc (09022015). Collection method: clinical testing. Allele origin: germline.
Comment: This sequence change replaces asparagine, which is neutral and polar, with aspartic acid, which is acidic and polar, at codon 1991 of the LAMA1 protein (p.Asn1991Asp). This variant is present in population databases (rs752112258, gnomAD 0.0009%). This variant has not been reported in the literature in individuals affected with LAMA1-related conditions. Advanced modeling of protein sequence and biophysical properties (such as structural, functional, and spatial information, amino acid conservation, physicochemical variation, residue mobility, and thermodynamic stability) performed at Invitae indicates that this missense variant is not expected to disrupt LAMA1 protein function with a negative predictive value of 80%. In summary, the available evidence is currently insufficient to determine the role of this variant in disease. Therefore, it has been classified as a Variant of Uncertain Significance.